The following is an entry in ClinVar:

NM_005518.4(HMGCS2):c.1394del (p.Asn465fs)

Gene: HMGCS2 (3-hydroxy-3-methylglutaryl-CoA synthase 2; minus strand). Cytogenetic location: 1p12.
Variant type: Deletion.
Coding change: c.1394del on transcript NM_005518.4 (MANE Select); coding-DNA position 1394, one base deleted (A; older notation c.1394delA).
Protein change: p.Asn465fs; shifts the reading frame from asparagine 465.
Molecular consequence: frameshift variant.
Genome position (GRCh38, 1-based): chr1:119,752,575, T deleted on the plus strand (A on the coding strand, the reverse complement: HMGCS2 is on the minus strand); the first of 2 consecutive T bases (chr1:119,752,575-119,752,576); deleting either gives the same sequence. VCF-style (leftmost placement, unchanged base first): chr1-119752574-GT-G. GRCh37 (hg19) VCF-style: chr1-120295197-GT-G.
Other names: c.1268del, p.Asn423fs (NM_001166107.1); c.1394delA (NM_005518.4); short protein forms N423fs, N465fs.
Identifiers: ClinVar variation 1327465 (VCV001327465.8), dbSNP rs779321975, ClinGen allele CA1037567.

ClinVar aggregate classification (germline): Pathogenic. Review status: criteria provided, multiple submitters, no conflicts (2 of 4 stars). 3 submissions from 3 submitters: Pathogenic (2). 1 of the submissions does not count toward it. Last evaluated 2023-03-02.

Conditions:
3-hydroxy-3-methylglutaryl-CoA synthase deficiency (HMGCS2D). Also called: MITOCHONDRIAL HMG-CoA SYNTHASE DEFICIENCY; HMG-CoA synthase-2 deficiency; HMGCS2 DEFICIENCY. Identifiers: Orphanet 35701, MedGen C2751532, MONDO:0011614, OMIM 605911.

Submissions (3):

Labcorp Genetics (formerly Invitae), Labcorp
Classification: Pathogenic for 3-hydroxy-3-methylglutaryl-CoA synthase deficiency. Last evaluated: 2023-03-02. Review status: criteria provided, single submitter. Criteria: Invitae Variant Classification Sherloc (09022015). Collection method: clinical testing. Allele origin: germline.
Comment: This sequence change creates a premature translational stop signal (p.Asn465Thrfs*10) in the HMGCS2 gene. It is expected to result in an absent or disrupted protein product. Loss-of-function variants in HMGCS2 are known to be pathogenic (PMID: 20346956, 23751782, 25511235). This variant is present in population databases (rs779321975, gnomAD 0.006%). This premature translational stop signal has been observed in individual(s) with HMG-CoA synthase deficiency (PMID: 35308163). ClinVar contains an entry for this variant (Variation ID: 1327465). For these reasons, this variant has been classified as Pathogenic.

Department of Endocrinology, Metabolism and Genetics, Henan Children's Hospital, Children's Hospital Affiliated to Zhengzhou University
Classification: Pathogenic for 3-hydroxy-3-methylglutaryl-CoA synthase deficiency. Review status: criteria provided, single submitter. Criteria: ACMG Guidelines, 2015. Collection method: clinical testing. Allele origin: germline. Affected: yes.

Institute of Medical Genetics and Genomics, Sir Ganga Ram Hospital
Classification: Pathogenic for 3-hydroxy-3-methylglutaryl-CoA synthase deficiency. Last evaluated: 2022-02-15. Review status: no assertion criteria provided. Collection method: clinical testing. Allele origin: germline. Inheritance: Autosomal recessive inheritance. Affected: yes. Observed: 1 homozygote. Not counted in ClinVar's aggregate classification.
Comment: The novel homozygous frameshift deletion variant c.1394delA (p. N465Tfs*9) has an allele frequency-0.0008% in gnomAD (aggregated) database and 0.0016% in 1000g. In-silico bioinformatic software mutation taster predicts this variant as Disease causing. There was a clinical suspicion of inherited metabolic disorder. GCMS studies iterated similar clinical suspicion. HMG-CoA synthase-2 deficiency is an autosomal recessive disorder. Based on the phenotypic observation, we classify this variant as pathogenic.

Literature cited by the submitters: PubMed 20346956 (cited by Labcorp Genetics (formerly Invitae), Labcorp); PubMed 23751782 (cited by Labcorp Genetics (formerly Invitae), Labcorp); PubMed 25511235 (cited by Labcorp Genetics (formerly Invitae), Labcorp); PubMed 35308163 (cited by Labcorp Genetics (formerly Invitae), Labcorp).